The following is an entry in ClinVar:

ClinVar aggregate classification (germline): Uncertain significance (1 of 4 stars; one submission).

Allele frequency attached by ClinVar (database versions not stated): TOPMed below 0.00001.

Submission:

Labcorp Genetics (formerly Invitae), Labcorp
Classification: Uncertain significance. Last evaluated: 2023-10-05. Review status: criteria provided, single submitter. Criteria: Invitae Variant Classification Sherloc (09022015). Collection method: clinical testing. Allele origin: germline.
Comment: This sequence change replaces asparagine, which is neutral and polar, with lysine, which is basic and polar, at codon 86 of the SCN3A protein (p.Asn86Lys). This variant is not present in population databases (gnomAD no frequency). This variant has not been reported in the literature in individuals affected with SCN3A-related conditions. Advanced modeling of protein sequence and biophysical properties (such as structural, functional, and spatial information, amino acid conservation, physicochemical variation, residue mobility, and thermodynamic stability) performed at Invitae indicates that this missense variant is not expected to disrupt SCN3A protein function. In summary, the available evidence is currently insufficient to determine the role of this variant in disease. Therefore, it has been classified as a Variant of Uncertain Significance.

NM_006922.4(SCN3A):c.258T>G (p.Asn86Lys)

Gene: SCN3A (sodium voltage-gated channel alpha subunit 3; minus strand). Cytogenetic location: 2q24.3.
Variant type: single nucleotide variant.
Coding change: c.258T>G on transcript NM_006922.4 (MANE Select); coding-DNA position 258, T replaced by G.
Protein change: p.Asn86Lys; replaces asparagine 86 with lysine.
Molecular consequence: missense variant.
Genome position (GRCh38, 1-based): chr2:165,176,137, A>C on the plus strand (T>G on the coding strand, the complement: SCN3A is on the minus strand). VCF-style: chr2-165176137-A-C. GRCh37 (hg19) VCF-style: chr2-166032647-A-C.
Other names: c.258T>G, p.Asn86Lys (NM_001081676.2, NM_001081677.2); short protein forms N86K.
Identifiers: ClinVar variation 2766114 (VCV002766114.3), dbSNP rs1690439110, ClinGen allele CA349240706.